The following is an entry in ClinVar:

NM_022124.6(CDH23):c.8290G>A (p.Val2764Met)

Gene: CDH23 (cadherin related 23; plus strand). Cytogenetic location: 10q22.1.
Variant type: single nucleotide variant.
Coding change: c.8290G>A on transcript NM_022124.6 (MANE Select); coding-DNA position 8290, G replaced by A.
Protein change: p.Val2764Met; replaces valine 2764 with methionine.
Molecular consequence: missense variant.
Genome position (GRCh38, 1-based): chr10:71,807,388, G>A. VCF-style: chr10-71807388-G-A. GRCh37 (hg19) VCF-style: chr10-73567145-G-A.
Other names: c.1570G>A, p.Val524Met (NM_001171933.1, NM_001171934.1); short protein forms V2764M, V524M.
Identifiers: ClinVar variation 162946 (VCV000162946.48), dbSNP rs556148352, ClinGen allele CA175522.

ClinVar aggregate classification (germline): Conflicting classifications of pathogenicity. Review status: criteria provided, conflicting classifications (1 of 4 stars). 9 submissions from 8 submitters: Uncertain significance (3); Likely benign (4). 2 of the submissions do not count toward it. Last evaluated 2026-01-26.

Conditions:
CDH23-related disorder. Also called: CDH23-related disorders; CDH23-related condition.
Usher syndrome. Also called: Usher's syndrome; Usher Syndromes. Identifiers: Orphanet 886, MedGen CN469326, MeSH D052245, MONDO:0019501. Disease mechanism: loss of function.
Inborn genetic diseases. Identifiers: MedGen C0950123, MeSH D030342.
Usher syndrome type 1D (USH1D). Also called: USHER SYNDROME, TYPE ID. Identifiers: Orphanet 231169, Orphanet 886, MedGen C1832845, MONDO:0010984, OMIM 601067.
Autosomal recessive nonsyndromic hearing loss 12. Also called: DEAFNESS, AUTOSOMAL RECESSIVE 12. Identifiers: Orphanet 90636, MedGen C1832394, MONDO:0011067, OMIM 601386.

Allele frequency attached by ClinVar (database versions not stated): gnomAD 0.00001 and 0.00009; TOPMed 0.00003; gnomAD exomes 0.00015 and 0.00033; ExAC 0.00036; 1000 Genomes Project 30x 0.00047; 1000 Genomes Project 0.00060.
gnomAD v4.1: 246 of 1,613,864 alleles (0.015%); highest among the groups gnomAD compares: South Asian, 0.23%; 2 homozygotes.

Submissions (9):

Labcorp Genetics (formerly Invitae), Labcorp
Classification: Likely benign. Last evaluated: 2026-01-26. Review status: criteria provided, single submitter. Criteria: Invitae Variant Classification Sherloc (09022015). Collection method: clinical testing. Allele origin: germline.

Ambry Genetics
Classification: Uncertain significance for Inborn genetic diseases. Last evaluated: 2025-04-25. Review status: criteria provided, single submitter. Criteria: Ambry Variant Classification Scheme 2023. Collection method: clinical testing. Allele origin: germline.

Blueprint Genetics
Classification: Likely benign. Last evaluated: 2023-10-04. Review status: criteria provided, single submitter. Criteria: ACMG Guidelines, 2015. Collection method: clinical testing. Allele origin: germline.

GeneDx
Classification: Likely benign. Last evaluated: 2019-02-14. Review status: criteria provided, single submitter. Criteria: GeneDx Variant Classification Process June 2021. Collection method: clinical testing. Allele origin: germline. Affected: yes.

Illumina Laboratory Services, Illumina
Classification: Uncertain significance for Usher syndrome type 1D. Last evaluated: 2018-01-13. Review status: criteria provided, single submitter. Criteria: ICSL Variant Classification Criteria 13 December 2019. Collection method: clinical testing. Allele origin: germline.

Illumina Laboratory Services, Illumina
Classification: Uncertain significance for Autosomal recessive nonsyndromic hearing loss 12. Last evaluated: 2018-01-13. Review status: criteria provided, single submitter. Criteria: ICSL Variant Classification Criteria 13 December 2019. Collection method: clinical testing. Allele origin: germline.

Laboratory for Molecular Medicine, Mass General Brigham Personalized Medicine
Classification: Likely benign. Last evaluated: 2017-06-13. Review status: criteria provided, single submitter. Criteria: LMM Criteria. Collection method: clinical testing. Allele origin: germline. Observed: 3 variant alleles.
Comment: p.Val2764Met in exon 58 of CDH23: This variant is not expected to have clinical significance because it has been identified in 0.3% (77/30752) of South Asian c hromosomes by the Genome Aggregation Database (gnomAD; dbSNP rs556148352).

PreventionGenetics, part of Exact Sciences
Classification: Likely benign for CDH23-related condition. Last evaluated: 2022-09-13. Review status: no assertion criteria provided. Collection method: clinical testing. Allele origin: germline. Not counted in ClinVar's aggregate classification.
Comment: This variant is classified as likely benign based on ACMG/AMP sequence variant interpretation guidelines (Richards et al. 2015 PMID: 25741868, with internal and published modifications).

SN ONGC Dept of Genetics and Molecular biology Vision Research Foundation
Classification: Likely pathogenic for Usher syndrome. Last evaluated: 2022-12-31. Review status: flagged submission. Criteria: ACMG Guidelines, 2015. Collection method: research. Allele origin: unknown. Affected: yes. Observed: 1 variant allele, 1 compound heterozygote. Not counted in ClinVar's aggregate classification.
ClinVar note: Reason: Outlier claim with insufficient supporting evidence